The following is an entry in ClinVar:

ClinVar aggregate classification (germline): Uncertain significance (1 of 4 stars; one submission).

Conditions:
Atrial fibrillation, familial, 18 (ATFB18). Identifiers: MedGen C4310636, MONDO:0015001, OMIM 617280.

Submission:

Labcorp Genetics (formerly Invitae), Labcorp
Classification: Uncertain significance for Atrial fibrillation, familial, 18. Last evaluated: 2024-03-17. Review status: criteria provided, single submitter. Criteria: Invitae Variant Classification Sherloc (09022015). Collection method: clinical testing. Allele origin: germline.
Comment: This sequence change replaces proline, which is neutral and non-polar, with serine, which is neutral and polar, at codon 101 of the MYL4 protein (p.Pro101Ser). This variant is not present in population databases (gnomAD no frequency). This variant has not been reported in the literature in individuals affected with MYL4-related conditions. An algorithm developed to predict the effect of missense changes on protein structure and function (PolyPhen-2) suggests that this variant is likely to be disruptive. In summary, the available evidence is currently insufficient to determine the role of this variant in disease. Therefore, it has been classified as a Variant of Uncertain Significance.

NM_002476.2(MYL4):c.301C>T (p.Pro101Ser)

Gene: MYL4 (myosin light chain 4; plus strand). Cytogenetic location: 17q21.32.
Variant type: single nucleotide variant.
Coding change: c.301C>T on transcript NM_002476.2 (MANE Select); coding-DNA position 301, C replaced by T.
Protein change: p.Pro101Ser; replaces proline 101 with serine.
Molecular consequence: missense variant.
Genome position (GRCh38, 1-based): chr17:47,220,041, C>T. VCF-style: chr17-47220041-C-T. GRCh37 (hg19) VCF-style: chr17-45297407-C-T.
Other names: c.301C>T, p.Pro101Ser (NM_001002841.2); short protein forms P101S.
Identifiers: ClinVar variation 3642631 (VCV003642631.2).